The following is an entry in ClinVar:

ClinVar aggregate classification (germline): Uncertain significance. Review status: criteria provided, multiple submitters, no conflicts (2 of 4 stars). 2 submissions from 2 submitters: Uncertain significance (2). Last evaluated 2025-03-27.

Submissions (2):

Labcorp Genetics (formerly Invitae), Labcorp
Classification: Uncertain significance. Last evaluated: 2025-03-27. Review status: criteria provided, single submitter. Criteria: Invitae Variant Classification Sherloc (09022015). Collection method: clinical testing. Allele origin: germline.
Comment: This sequence change replaces cysteine, which is neutral and slightly polar, with arginine, which is basic and polar, at codon 529 of the WFS1 protein (p.Cys529Arg). This variant is not present in population databases (gnomAD no frequency). This variant has not been reported in the literature in individuals affected with WFS1-related conditions. Invitae Evidence Modeling of protein sequence and biophysical properties (such as structural, functional, and spatial information, amino acid conservation, physicochemical variation, residue mobility, and thermodynamic stability) indicates that this missense variant is not expected to disrupt WFS1 protein function with a negative predictive value of 95%. In summary, the available evidence is currently insufficient to determine the role of this variant in disease. Therefore, it has been classified as a Variant of Uncertain Significance.

Blueprint Genetics
Classification: Uncertain significance. Last evaluated: 2020-05-08. Review status: criteria provided, single submitter. Criteria: ACMG Guidelines, 2015. Collection method: clinical testing. Allele origin: germline.

NM_006005.3(WFS1):c.1585T>C (p.Cys529Arg)

Gene: WFS1 (wolframin ER transmembrane glycoprotein; plus strand). Cytogenetic location: 4p16.1.
Variant type: single nucleotide variant.
Coding change: c.1585T>C on transcript NM_006005.3 (MANE Select); coding-DNA position 1585, T replaced by C.
Protein change: p.Cys529Arg; replaces cysteine 529 with arginine.
Molecular consequence: missense variant.
Genome position (GRCh38, 1-based): chr4:6,301,380, T>C. VCF-style: chr4-6301380-T-C. GRCh37 (hg19) VCF-style: chr4-6303107-T-C.
Other names: c.1585T>C, p.Cys529Arg (NM_001145853.1); short protein forms C529R.
Identifiers: ClinVar variation 4802686 (VCV004802686.2).